The following is an entry in ClinVar:

ClinVar aggregate classification (germline): Uncertain significance. Review status: criteria provided, multiple submitters, no conflicts (2 of 4 stars). 2 submissions from 2 submitters: Uncertain significance (2). Last evaluated 2025-05-08.

Conditions:
Nephronophthisis. Also called: Juvenile Nephronophthisis. Identifiers: Orphanet 655, MedGen C0687120, MONDO:0019005, HP:0000090.
Joubert syndrome. Also called: Familial aplasia of the vermis; JOUBERT-BOLTSHAUSER SYNDROME. Identifiers: Orphanet 475, MedGen C5979921, MONDO:0018772.
Meckel-Gruber syndrome. Also called: Dysencephalia splachnocystica; DYSENCEPHALIA SPLANCHNOCYSTICA; GRUBER SYNDROME. Identifiers: Orphanet 564, MedGen C0265215, MONDO:0018921.
CEP290-related disorder. Also called: CEP290-related disorders; CEP290-related condition. Identifiers: MedGen CN239314.

Allele frequency attached by ClinVar (database versions not stated): gnomAD exomes below 0.00001 and 0.00001; gnomAD 0.00001; TOPMed 0.00001.
gnomAD v4.1: 3 of 1,611,740 alleles (0.00019%); highest among the groups gnomAD compares: Admixed American, 0.0033%; no homozygotes.

Submissions (2):

PreventionGenetics, part of Exact Sciences
Classification: Uncertain significance for CEP290-related condition. Last evaluated: 2025-05-08. Review status: criteria provided, single submitter. Criteria: ACMG Guidelines, 2015. Collection method: clinical testing. Allele origin: germline.
Comment: The CEP290 c.2756A>G variant is predicted to result in the amino acid substitution p.Asn919Ser. To our knowledge, this variant has not been reported in the literature. This variant is reported in 0.0059% of alleles in individuals of Latino descent in gnomAD. At this time, the clinical significance of this variant is uncertain due to the absence of conclusive functional and genetic evidence.

Labcorp Genetics (formerly Invitae), Labcorp
Classification: Uncertain significance for Joubert syndrome; Meckel-Gruber syndrome; Nephronophthisis. Last evaluated: 2022-04-13. Review status: criteria provided, single submitter. Criteria: Invitae Variant Classification Sherloc (09022015). Collection method: clinical testing. Allele origin: germline.
Comment: This sequence change replaces asparagine, which is neutral and polar, with serine, which is neutral and polar, at codon 919 of the CEP290 protein (p.Asn919Ser). This variant is present in population databases (no rsID available, gnomAD 0.006%). This variant has not been reported in the literature in individuals affected with CEP290-related conditions. Algorithms developed to predict the effect of missense changes on protein structure and function output the following: SIFT: "Tolerated"; PolyPhen-2: "Benign"; Align-GVGD: "Class C0". The serine amino acid residue is found in multiple mammalian species, which suggests that this missense change does not adversely affect protein function. In summary, the available evidence is currently insufficient to determine the role of this variant in disease. Therefore, it has been classified as a Variant of Uncertain Significance.

NM_025114.4(CEP290):c.2756A>G (p.Asn919Ser)

Gene: CEP290 (centrosomal protein 290; minus strand). Cytogenetic location: 12q21.32.
Variant type: single nucleotide variant.
Coding change: c.2756A>G on transcript NM_025114.4 (MANE Select); coding-DNA position 2756, A replaced by G.
Protein change: p.Asn919Ser; replaces asparagine 919 with serine.
Molecular consequence: missense variant.
Genome position (GRCh38, 1-based): chr12:88,106,736, T>C on the plus strand (A>G on the coding strand, the complement: CEP290 is on the minus strand). VCF-style: chr12-88106736-T-C. GRCh37 (hg19) VCF-style: chr12-88500513-T-C.
Other names: c.2756A>G (NM_025114.3); short protein forms N919S.
Identifiers: ClinVar variation 1473999 (VCV001473999.6), dbSNP rs1489447514, ClinGen allele CA385970895.